The following is an entry in ClinVar:

NM_001199753.2(CPT1C):c.2092A>G (p.Asn698Asp)

Gene: CPT1C (carnitine palmitoyltransferase 1C; plus strand). Cytogenetic location: 19q13.33.
Variant type: single nucleotide variant.
Coding change: c.2092A>G on transcript NM_001199753.2 (MANE Select); coding-DNA position 2092, A replaced by G.
Protein change: p.Asn698Asp; replaces asparagine 698 with aspartic acid.
Molecular consequence: missense variant. On other transcripts: non-coding transcript variant (1).
Genome position (GRCh38, 1-based): chr19:49,712,808, A>G. VCF-style: chr19-49712808-A-G. GRCh37 (hg19) VCF-style: chr19-50216065-A-G.
Other names: p.Asn687Asp; c.2059A>G, p.Asn687Asp (NM_001136052.3, NM_001378485.1); c.2092A>G, p.Asn698Asp (NM_001199752.3, NM_001378483.1, NM_001378484.1 and 1 more transcripts); c.2158A>G, p.Asn720Asp (NM_001378482.1); c.1957A>G, p.Asn653Asp (NM_001378486.1, NM_001378488.1); c.1924A>G, p.Asn642Asp (NM_001378487.1); short protein forms N698D, N687D, N653D, N720D, N642D.
Identifiers: ClinVar variation 476175 (VCV000476175.15), dbSNP rs143091111, ClinGen allele CA9582408.

ClinVar aggregate classification (germline): Conflicting classifications of pathogenicity. Review status: criteria provided, conflicting classifications (1 of 4 stars). 3 submissions from 3 submitters: Uncertain significance (1); Likely benign (2). Last evaluated 2025-05-20.

Conditions:
Hereditary spastic paraplegia 73. Also called: Spastic paraplegia 73, autosomal dominant. Identifiers: Orphanet 444099, MedGen C5568981, MONDO:0014568, OMIM 616282.

Allele frequency attached by ClinVar (database versions not stated): ExAC 0.00058; gnomAD exomes 0.00076 and 0.00052; ESP Exome Variant Server 0.00077; 1000 Genomes Project 0.00020; 1000 Genomes Project 30x 0.00031; gnomAD 0.00049; TOPMed 0.00063.
gnomAD v4.1: 1,184 of 1,613,976 alleles (0.073%); highest among the groups gnomAD compares: Admixed American, 0.1%; 3 homozygotes.

Submissions (3):

Mayo Clinic Laboratories, Mayo Clinic
Classification: Likely benign. Last evaluated: 2025-05-20. Review status: criteria provided, single submitter. Criteria: ACMG Guidelines, 2015. Collection method: clinical testing. Allele origin: germline. Observed: 2 variant alleles.
Comment: BS1

Labcorp Genetics (formerly Invitae), Labcorp
Classification: Likely benign for Hereditary spastic paraplegia 73. Last evaluated: 2025-01-28. Review status: criteria provided, single submitter. Criteria: Invitae Variant Classification Sherloc (09022015). Collection method: clinical testing. Allele origin: germline.

Fulgent Genetics
Classification: Uncertain significance for Hereditary spastic paraplegia 73. Last evaluated: 2022-04-25. Review status: criteria provided, single submitter. Criteria: ACMG Guidelines, 2015. Collection method: clinical testing. Allele origin: unknown.